The following is an entry in ClinVar:

NM_001171.6(ABCC6):c.2236A>T (p.Ile746Phe)

Gene: ABCC6 (ATP binding cassette subfamily C member 6; minus strand). Cytogenetic location: 16p13.11.
Variant type: single nucleotide variant.
Coding change: c.2236A>T on transcript NM_001171.6 (MANE Select); coding-DNA position 2236, A replaced by T.
Protein change: p.Ile746Phe; replaces isoleucine 746 with phenylalanine.
Molecular consequence: missense variant. On other transcripts: non-coding transcript variant (1).
Genome position (GRCh38, 1-based): chr16:16,182,423, T>A on the plus strand (A>T on the coding strand, the complement: ABCC6 is on the minus strand). VCF-style: chr16-16182423-T-A. GRCh37 (hg19) VCF-style: chr16-16276280-T-A.
Other names: c.1894A>T, p.Ile632Phe (NM_001351800.1); short protein forms I632F, I746F.
Identifiers: ClinVar variation 2105579 (VCV002105579.1), dbSNP rs1381824291, ClinGen allele CA394888238.
Genomic context (GRCh38, chr16:16,182,423, plus strand): 5'-CTCCCAACTGCAATGTCTCCCTGTCCCAAAAAGACCCCCAAACTCTCACCTGCTCCCCAA[T>A]TGAAGTGTGGATTCCCTCAGGGAAGCTGTCCACATCTGGCTGCAGGGCACAGGCTTCTAG-3'
Protein context (NP_001162.5, residues 736-756): DSFPEGIHTS[Ile746Phe]GEQGMNLSGG

ClinVar aggregate classification (germline): Uncertain significance (1 of 4 stars; one submission).

gnomAD v4.1: 2 of 1,613,848 alleles (0.00012%); highest among the groups gnomAD compares: Non-Finnish European, 0.00017%; no homozygotes.

Submission:

Labcorp Genetics (formerly Invitae), Labcorp
Classification: Uncertain significance. Last evaluated: 2022-03-01. Review status: criteria provided, single submitter. Criteria: Invitae Variant Classification Sherloc (09022015). Collection method: clinical testing. Allele origin: germline.
Comment: This sequence change replaces isoleucine, which is neutral and non-polar, with phenylalanine, which is neutral and non-polar, at codon 746 of the ABCC6 protein (p.Ile746Phe). This variant is not present in population databases (gnomAD no frequency). This variant has not been reported in the literature in individuals affected with ABCC6-related conditions. Advanced modeling of protein sequence and biophysical properties (such as structural, functional, and spatial information, amino acid conservation, physicochemical variation, residue mobility, and thermodynamic stability) performed at Invitae indicates that this missense variant is expected to disrupt ABCC6 protein function. In summary, the available evidence is currently insufficient to determine the role of this variant in disease. Therefore, it has been classified as a Variant of Uncertain Significance.